The following is an entry in ClinVar:

ClinVar aggregate classification (germline): Conflicting classifications of pathogenicity. Review status: criteria provided, conflicting classifications (1 of 4 stars). 5 submissions from 5 submitters: Likely pathogenic (1); Uncertain significance (4). Last evaluated 2025-11-13.

Conditions:
Multiple congenital anomalies-hypotonia-seizures syndrome 2 (MCAHS2). Also called: GLYCOSYLPHOSPHATIDYLINOSITOL BIOSYNTHESIS DEFECT 4; EPILEPTIC ENCEPHALOPATHY, EARLY INFANTILE, 20. Identifiers: Orphanet 300496, MedGen C3275508, MONDO:0010466, OMIM 300868.

Submissions (5):

3billion
Classification: Uncertain significance for Multiple congenital anomalies-hypotonia-seizures syndrome 2. Last evaluated: 2025-11-13. Review status: criteria provided, single submitter. Criteria: ACMG Guidelines, 2015. Collection method: clinical testing. Allele origin: germline. Affected: yes.
Comment: The variant is not observed in the gnomAD v4.1.0 dataset. Predicted Consequence/Location: Missense variant In silico tool predictions suggest damaging effect of the variant on gene or gene product [REVEL: 0.77 (>=0.6, sensitivity 0.68 and specificity 0.92)]. The same nucleotide change resulting in the same amino acid change has been previously reported to be associated with PIGA-related disorder (PMID: 28133863). However, the evidence of pathogenicity is insufficient at this time. Therefore, this variant is classified as VUS according to the recommendation of ACMG/AMP guideline.

GeneDx
Classification: Likely pathogenic. Last evaluated: 2025-05-07. Review status: criteria provided, single submitter. Criteria: GeneDx Variant Classification Process June 2021. Collection method: clinical testing. Allele origin: germline. Affected: yes.
Comment: Not observed at significant frequency in large population cohorts (gnomAD); In silico analysis supports that this missense variant has a deleterious effect on protein structure/function; This variant is associated with the following publications: (PMID: 29974678, 31957018, 28133863)

Women's Health and Genetics/Laboratory Corporation of America, LabCorp
Classification: Uncertain significance. Last evaluated: 2024-01-16. Review status: criteria provided, single submitter. Criteria: LabCorp Variant Classification Summary - May 2015. Collection method: clinical testing. Allele origin: germline.
Comment: Variant summary: PIGA c.424G>A (p.Ala142Thr) results in a non-conservative amino acid change located in the PIGA, GPI anchor biosynthesis domain (IPR013234) of the encoded protein sequence. Five of five in-silico tools predict a damaging effect of the variant on protein function. The variant was absent in 183063 control chromosomes (gnomAD). The available data on variant occurrences in the general population are insufficient to allow any conclusion about variant significance. c.424G>A has been reported in the literature in at-least one individual affected with early onset epileptic encephalopathy with burst suppression (example: Olson_2017, and Rochtus_2020). These data do not allow any conclusion about variant significance. To our knowledge, no experimental evidence demonstrating an impact on protein function has been reported. The following publications have been ascertained in the context of this evaluation (PMID: 28133863, 31957018). ClinVar contains an entry for this variant (Variation ID: 595845). Based on the evidence outlined above, the variant was classified as uncertain significance.

Labcorp Genetics (formerly Invitae), Labcorp
Classification: Uncertain significance for Multiple congenital anomalies-hypotonia-seizures syndrome 2. Last evaluated: 2022-09-02. Review status: criteria provided, single submitter. Criteria: Invitae Variant Classification Sherloc (09022015). Collection method: clinical testing. Allele origin: germline.
Comment: In summary, the available evidence is currently insufficient to determine the role of this variant in disease. Therefore, it has been classified as a Variant of Uncertain Significance. Algorithms developed to predict the effect of missense changes on protein structure and function are either unavailable or do not agree on the potential impact of this missense change (SIFT: "Deleterious"; PolyPhen-2: "Possibly Damaging"; Align-GVGD: "Class C0"). ClinVar contains an entry for this variant (Variation ID: 595845). This missense change has been observed in individual(s) with clinical features of PIGA-congenital disorder of glycosylation (PMID: 28133863). This variant is not present in population databases (gnomAD no frequency). This sequence change replaces alanine, which is neutral and non-polar, with threonine, which is neutral and polar, at codon 142 of the PIGA protein (p.Ala142Thr).

Eurofins Ntd Llc (ga)
Classification: Uncertain significance. Last evaluated: 2018-01-24. Review status: criteria provided, single submitter. Criteria: EGL Classification Definitions 2015. Collection method: clinical testing. Allele origin: germline. Observed: 1 variant allele, 1 hemizygote.

Literature cited by the submitters: PubMed 28133863 (cited by 3 submitters); PubMed 31957018 (cited by Women's Health and Genetics/Laboratory Corporation of America, LabCorp).

NM_002641.4(PIGA):c.424G>A (p.Ala142Thr)

Gene: PIGA (phosphatidylinositol glycan anchor biosynthesis class A; minus strand). Cytogenetic location: Xp22.2.
Variant type: single nucleotide variant.
Coding change: c.424G>A on transcript NM_002641.4 (MANE Select); coding-DNA position 424, G replaced by A.
Protein change: p.Ala142Thr; replaces alanine 142 with threonine.
Molecular consequence: missense variant. On other transcripts: intron variant (1).
Genome position (GRCh38, 1-based): chrX:15,331,507, C>T on the plus strand (G>A on the coding strand, the complement: PIGA is on the minus strand). VCF-style: chrX-15331507-C-T. GRCh37 (hg19) VCF-style: chrX-15349629-C-T.
Other names: c.13+3994G>A (NM_020473.3); c.424G>A (NM_002641.3); short protein forms A142T.
Identifiers: ClinVar variation 595845 (VCV000595845.12), dbSNP rs1569179995, ClinGen allele CA412340014.